The following is an entry in ClinVar:

NM_001326411.2(PISD):c.290A>C (p.Glu97Ala)

Gene: PISD (phosphatidylserine decarboxylase; minus strand). Cytogenetic location: 22q12.2.
Variant type: single nucleotide variant.
Coding change: c.290A>C on transcript NM_001326411.2 (MANE Select); coding-DNA position 290, A replaced by C.
Protein change: p.Glu97Ala; replaces glutamic acid 97 with alanine.
Molecular consequence: missense variant. On other transcripts: synonymous variant (2), 5 prime UTR variant (4).
Genome position (GRCh38, 1-based): chr22:31,648,132, T>G on the plus strand (A>C on the coding strand, the complement: PISD is on the minus strand). VCF-style: chr22-31648132-T-G. GRCh37 (hg19) VCF-style: chr22-32044118-T-G.
Other names: c.290A>C, p.Glu97Ala (NM_001326412.1, NM_001326421.1); c.61A>C, p.Arg21= (NM_001326413.2, NM_001326414.2); c.-233A>C (NM_001326415.2, NM_001326417.2, NM_001326419.2); c.-342A>C (NM_001326416.2); c.110A>C, p.Glu37Ala (NM_001326418.2, NM_001326420.2); short protein forms E37A, E97A.
Identifiers: ClinVar variation 1477288 (VCV001477288.3), dbSNP rs577463398, ClinGen allele CA10194966.

ClinVar aggregate classification (germline): Uncertain significance (1 of 4 stars; one submission).

Allele frequency attached by ClinVar (database versions not stated): TOPMed below 0.00001; gnomAD exomes 0.00004 and 0.00011; gnomAD 0.00005; ExAC 0.00008; 1000 Genomes Project 30x 0.00094; 1000 Genomes Project 0.00100.
gnomAD v4.1: 74 of 1,612,042 alleles (0.0046%); highest among the groups gnomAD compares: South Asian, 0.069%; 1 homozygote.

Submission:

Labcorp Genetics (formerly Invitae), Labcorp
Classification: Uncertain significance. Last evaluated: 2021-10-11. Review status: criteria provided, single submitter. Criteria: Invitae Variant Classification Sherloc (09022015). Collection method: clinical testing. Allele origin: germline.
Comment: This sequence change replaces glutamic acid with alanine at codon 97 of the PISD protein (p.Glu97Ala). The glutamic acid residue is weakly conserved and there is a moderate physicochemical difference between glutamic acid and alanine. This variant is present in population databases (rs577463398, ExAC 0.06%). This variant has not been reported in the literature in individuals affected with PISD-related conditions. Algorithms developed to predict the effect of missense changes on protein structure and function are either unavailable or do not agree on the potential impact of this missense change (SIFT: "Not Available"; PolyPhen-2: "Benign"; Align-GVGD: "Not Available"). In summary, the available evidence is currently insufficient to determine the role of this variant in disease. Therefore, it has been classified as a Variant of Uncertain Significance.